The following is an entry in ClinVar:

NM_138691.3(TMC1):c.1199C>G (p.Thr400Ser)

Gene: TMC1 (transmembrane channel like 1; plus strand). Cytogenetic location: 9q21.13.
Variant type: single nucleotide variant.
Coding change: c.1199C>G on transcript NM_138691.3 (MANE Select); coding-DNA position 1199, C replaced by G.
Protein change: p.Thr400Ser; replaces threonine 400 with serine.
Molecular consequence: missense variant.
Genome position (GRCh38, 1-based): chr9:72,789,292, C>G. VCF-style: chr9-72789292-C-G. GRCh37 (hg19) VCF-style: chr9-75404208-C-G.
Other names: c.1199C>G (NM_138691.2); short protein forms T400S.
Identifiers: ClinVar variation 3708295 (VCV003708295.3).
Genomic context (GRCh38, chr9:72,789,292, plus strand): 5'-GATACCTCATCTTTTGGGCTGTGAAGCGATCCCAGGAATTTGCACAGCAAGATCCTGACA[C>G]CCTTGGGTGGTGGGAAAAAAATGAAGTTCGTCTCTGCATGCTTTTTATGTGCTTAGAACC-3'
Protein context (NP_619636.2, residues 390-410): SQEFAQQDPD[Thr400Ser]LGWWEKNEMN

ClinVar aggregate classification (germline): Uncertain significance. Review status: criteria provided, multiple submitters, no conflicts (2 of 4 stars). 2 submissions from 2 submitters: Uncertain significance (2). Last evaluated 2024-12-23.

Conditions:
Inborn genetic diseases. Identifiers: MedGen C0950123, MeSH D030342.

gnomAD v4.1: 32 of 1,613,856 alleles (0.002%); highest among the groups gnomAD compares: Non-Finnish European, 0.0026%; no homozygotes.

Submissions (2):

Ambry Genetics
Classification: Uncertain significance for Inborn genetic diseases. Last evaluated: 2024-12-23. Review status: criteria provided, single submitter. Criteria: Ambry Variant Classification Scheme 2023. Collection method: clinical testing. Allele origin: germline.

Labcorp Genetics (formerly Invitae), Labcorp
Classification: Uncertain significance. Last evaluated: 2024-02-12. Review status: criteria provided, single submitter. Criteria: Invitae Variant Classification Sherloc (09022015). Collection method: clinical testing. Allele origin: germline.
Comment: This sequence change replaces threonine, which is neutral and polar, with serine, which is neutral and polar, at codon 400 of the TMC1 protein (p.Thr400Ser). This variant is present in population databases (rs765865619, gnomAD 0.002%). This variant has not been reported in the literature in individuals affected with TMC1-related conditions. Advanced modeling of protein sequence and biophysical properties (such as structural, functional, and spatial information, amino acid conservation, physicochemical variation, residue mobility, and thermodynamic stability) performed at Invitae indicates that this missense variant is not expected to disrupt TMC1 protein function with a negative predictive value of 95%. In summary, the available evidence is currently insufficient to determine the role of this variant in disease. Therefore, it has been classified as a Variant of Uncertain Significance.